The following is an entry in ClinVar:

ClinVar aggregate classification (germline): Uncertain significance. Review status: criteria provided, multiple submitters, no conflicts (2 of 4 stars). 2 submissions from 2 submitters: Uncertain significance (2). Last evaluated 2024-12-17.

Conditions:
Menkes kinky-hair syndrome (MNK). Also called: Classic Menkes Disease; Copper transport disease; Menkes Disease. Identifiers: Orphanet 565, MedGen C0022716, MONDO:0010651, OMIM 309400.
X-linked distal spinal muscular atrophy type 3. Also called: NEURONOPATHY, DISTAL HEREDITARY MOTOR, X-LINKED; NEUROPATHY, DISTAL HEREDITARY MOTOR, X-LINKED; ATP7A-Related Distal Motor Neuropathy; SPINAL MUSCULAR ATROPHY, DISTAL, X-LINKED RECESSIVE. Identifiers: Orphanet 139557, MedGen C1845359, MONDO:0010338, OMIM 300489.
Cutis laxa, X-linked (OHS). Also called: EDS IX; Occipital horn syndrome. Identifiers: Orphanet 198, MedGen C0268353, MONDO:0010572, OMIM 304150.

Submissions (2):

Labcorp Genetics (formerly Invitae), Labcorp
Classification: Uncertain significance for X-linked distal spinal muscular atrophy type 3; Cutis laxa, X-linked; Menkes kinky-hair syndrome. Last evaluated: 2024-12-17. Review status: criteria provided, single submitter. Criteria: Invitae Variant Classification Sherloc (09022015). Collection method: clinical testing. Allele origin: germline.
Comment: This sequence change replaces valine, which is neutral and non-polar, with leucine, which is neutral and non-polar, at codon 319 of the ATP7A protein (p.Val319Leu). Information on the frequency of this variant in the gnomAD database is not available, as this variant may be reported differently in the database. This variant has not been reported in the literature in individuals affected with ATP7A-related conditions. ClinVar contains an entry for this variant (Variation ID: 1959700). Experimental studies and prediction algorithms are not available or were not evaluated, and the functional significance of this variant is currently unknown. In summary, the available evidence is currently insufficient to determine the role of this variant in disease. Therefore, it has been classified as a Variant of Uncertain Significance.

Mayo Clinic Laboratories, Mayo Clinic
Classification: Uncertain significance. Last evaluated: 2022-06-07. Review status: criteria provided, single submitter. Criteria: ACMG Guidelines, 2015. Collection method: clinical testing. Allele origin: germline. Observed: 1 variant allele.
Comment: PM2

NM_000052.7(ATP7A):c.954_955delinsAT (p.Val319Leu)

Gene: ATP7A (ATPase copper transporting alpha; plus strand). Cytogenetic location: Xq21.1.
Variant type: Indel.
Coding change: c.954_955delinsAT on transcript NM_000052.7 (MANE Select); coding-DNA positions 954 to 955, TG replaced by AT.
Protein change: p.Val319Leu; replaces valine 319 with leucine.
Molecular consequence: missense variant.
Genome position (GRCh38, 1-based): chrX:77,989,576-77,989,577, TG replaced by AT. VCF-style: chrX-77989576-TG-AT. GRCh37 (hg19) VCF-style: chrX-77245072-TG-AT.
Other names: p.Val319Leu; c.954_955delinsAT, p.Val319Leu (NM_001282224.2); c.954_955delinsAT (NM_000052.6); short protein forms V319L.
Identifiers: ClinVar variation 1959700 (VCV001959700.6), dbSNP rs2522294013, ClinGen allele CA2580101463.